The following is an entry in ClinVar:

NM_005428.4(VAV1):c.1307G>A (p.Arg436His)

Gene: VAV1 (vav guanine nucleotide exchange factor 1; plus strand). Cytogenetic location: 19p13.3.
Variant type: single nucleotide variant.
Coding change: c.1307G>A on transcript NM_005428.4 (MANE Select); coding-DNA position 1307, G replaced by A.
Protein change: p.Arg436His; replaces arginine 436 with histidine.
Molecular consequence: missense variant.
Genome position (GRCh38, 1-based): chr19:6,829,827, G>A. VCF-style: chr19-6829827-G-A. GRCh37 (hg19) VCF-style: chr19-6829838-G-A.
Other names: c.1307G>A, p.Arg436His (NM_001258206.2); c.1211G>A, p.Arg404His (NM_001258207.2); c.1307G>A (NM_005428.2); short protein forms R404H, R436H.
Identifiers: ClinVar variation 1960616 (VCV001960616.6), dbSNP rs2144785261, ClinGen allele CA403624289.
Genomic context (GRCh38, chr19:6,829,827, plus strand): 5'-GCGTTATCCATCCTTCCAGGTATGCCTTCCTGCTCGACAAAGCTCTACTCATCTGTAAGC[G>A]CAGGGGAGACTCCTATGACCTCAAGGACTTTGTAAACCTGCACAGCTTCCAGGTTCGGGA-3'
Protein context (NP_005419.2, residues 426-446): LLDKALLICK[Arg436His]RGDSYDLKDF

ClinVar aggregate classification (germline): Uncertain significance. Review status: criteria provided, multiple submitters, no conflicts (2 of 4 stars). 2 submissions from 2 submitters: Uncertain significance (2). Last evaluated 2025-11-26.

Allele frequency attached by ClinVar (database versions not stated): gnomAD exomes below 0.00001.
gnomAD v4.1: 2 of 1,614,178 alleles (0.00012%); highest among the groups gnomAD compares: Admixed American, 0.0017%; no homozygotes.

Submissions (2):

Ambry Genetics
Classification: Uncertain significance. Last evaluated: 2025-11-26. Review status: criteria provided, single submitter. Criteria: Ambry Variant Classification Scheme 2023. Collection method: clinical testing. Allele origin: germline.

Labcorp Genetics (formerly Invitae), Labcorp
Classification: Uncertain significance. Last evaluated: 2025-04-28. Review status: criteria provided, single submitter. Criteria: Invitae Variant Classification Sherloc (09022015). Collection method: clinical testing. Allele origin: germline.
Comment: This sequence change replaces arginine, which is basic and polar, with histidine, which is basic and polar, at codon 436 of the VAV1 protein (p.Arg436His). This variant is not present in population databases (gnomAD no frequency). This variant has not been reported in the literature in individuals affected with VAV1-related conditions. ClinVar contains an entry for this variant (Variation ID: 1960616). An algorithm developed to predict the effect of missense changes on protein structure and function (PolyPhen-2) suggests that this variant is likely to be disruptive. In summary, the available evidence is currently insufficient to determine the role of this variant in disease. Therefore, it has been classified as a Variant of Uncertain Significance.